The following is an entry in ClinVar:

ClinVar aggregate classification (germline): Uncertain significance. Review status: criteria provided, single submitter (1 of 4 stars). 2 submissions from 2 submitters: Uncertain significance (1). 1 of the submissions does not count toward it. Last evaluated 2026-01-07.

Conditions:
Leukoencephalopathy with vanishing white matter 4 (VWM4). Also called: Leukoencephalopathy with vanishing white matter 4, with or without ovarian failure; EIF2B4-Related Childhood Ataxia with Central Nervous System Hypomyelination/Vanishing White Matter. Identifiers: MedGen C5830406, MONDO:0957872, OMIM 620314.

gnomAD v4.1: 1 of 1,614,232 alleles (0.000062%); highest among the groups gnomAD compares: Non-Finnish European, 0.000085%; no homozygotes.

Submissions (2):

Women's Health and Genetics/Laboratory Corporation of America, LabCorp
Classification: Uncertain significance. Last evaluated: 2026-01-07. Review status: criteria provided, single submitter. Criteria: LabCorp Variant Classification Summary - May 2015. Collection method: clinical testing. Allele origin: germline.
Comment: Variant summary: EIF2B4 c.1169C>A (p.Ala390Asp) results in a non-conservative amino acid change in the encoded protein sequence. Algorithms developed to predict the effect of missense changes on protein structure and function all suggest that this variant is likely to be disruptive. The variant was absent in 251488 control chromosomes. c.1169C>A has been observed in individual(s) affected with Leukoencephalopathy With Vanishing White Matter (example: vander Knaap_2003). These data indicate that the variant may be associated with disease. At least one publication reports experimental evidence evaluating an impact on protein function, however did not prvide convincing conclusions about the variant effect (example: Liu_HumMutat_2011). The following publications have been ascertained in the context of this evaluation (PMID: 14566705, 21560189). ClinVar contains an entry for this variant (Variation ID: 2671576). Based on the evidence outlined above, the variant was classified as VUS-possibly pathogenic.

OMIM
Classification: Pathogenic for LEUKOENCEPHALOPATHY WITH VANISHING WHITE MATTER 4. Last evaluated: 2003-11-01. Review status: no assertion criteria provided. Collection method: literature only. Allele origin: germline. Not counted in ClinVar's aggregate classification.

Literature cited by the submitters: PubMed 21560189 (cited by Women's Health and Genetics/Laboratory Corporation of America, LabCorp); PubMed 14566705 (cited by Women's Health and Genetics/Laboratory Corporation of America, LabCorp and OMIM).

NM_001034116.2(EIF2B4):c.1172C>A (p.Ala391Asp)

Genes: EIF2B4 (eukaryotic translation initiation factor 2B subunit delta; minus strand), GTF3C2-AS2 (GTF3C2 antisense RNA 2; plus strand). Cytogenetic location: 2p23.3.
Variant type: single nucleotide variant.
Coding change: c.1172C>A on transcript NM_001034116.2 (MANE Select); coding-DNA position 1172, C replaced by A.
Protein change: p.Ala391Asp; replaces alanine 391 with aspartic acid.
Molecular consequence: missense variant.
Genome position (GRCh38, 1-based): chr2:27,366,778, G>T on the plus strand (C>A on the coding strand, the complement: EIF2B4 is on the minus strand). VCF-style: chr2-27366778-G-T. GRCh37 (hg19) VCF-style: chr2-27589645-G-T.
Other names: A391D; c.1235C>A, p.Ala412Asp (NM_001318965.2); c.1127C>A, p.Ala376Asp (NM_001318966.2); c.1079C>A, p.Ala360Asp (NM_001318967.2); c.587C>A, p.Ala196Asp (NM_001318968.2); c.554C>A, p.Ala185Asp (NM_001318969.2); c.1169C>A, p.Ala390Asp (NM_015636.4); c.1232C>A, p.Ala411Asp (NM_172195.4); short protein forms A185D, A196D, A360D, A376D, A390D, A411D, A412D.
Identifiers: ClinVar variation 2671576 (VCV002671576.3), dbSNP rs113994036, ClinGen allele CA44511340.